The following is an entry in ClinVar:

NM_006005.3(WFS1):c.1446G>C (p.Lys482Asn)

Gene: WFS1 (wolframin ER transmembrane glycoprotein; plus strand). Cytogenetic location: 4p16.1.
Variant type: single nucleotide variant.
Coding change: c.1446G>C on transcript NM_006005.3 (MANE Select); coding-DNA position 1446, G replaced by C.
Protein change: p.Lys482Asn; replaces lysine 482 with asparagine.
Molecular consequence: missense variant.
Genome position (GRCh38, 1-based): chr4:6,301,241, G>C. VCF-style: chr4-6301241-G-C. GRCh37 (hg19) VCF-style: chr4-6302968-G-C.
Other names: c.1446G>C, p.Lys482Asn (NM_001145853.1); short protein forms K482N.
Identifiers: ClinVar variation 1353110 (VCV001353110.6), dbSNP rs373656898, ClinGen allele CA356174990.

ClinVar aggregate classification (germline): Uncertain significance (1 of 4 stars; one submission).

Submission:

Labcorp Genetics (formerly Invitae), Labcorp
Classification: Uncertain significance. Last evaluated: 2022-07-19. Review status: criteria provided, single submitter. Criteria: Invitae Variant Classification Sherloc (09022015). Collection method: clinical testing. Allele origin: germline.
Comment: In summary, the available evidence is currently insufficient to determine the role of this variant in disease. Therefore, it has been classified as a Variant of Uncertain Significance. Advanced modeling of protein sequence and biophysical properties (such as structural, functional, and spatial information, amino acid conservation, physicochemical variation, residue mobility, and thermodynamic stability) performed at Invitae indicates that this missense variant is not expected to disrupt WFS1 protein function. ClinVar contains an entry for this variant (Variation ID: 1353110). This variant has not been reported in the literature in individuals affected with WFS1-related conditions. This variant is not present in population databases (gnomAD no frequency). This sequence change replaces lysine, which is basic and polar, with asparagine, which is neutral and polar, at codon 482 of the WFS1 protein (p.Lys482Asn).